The following is an entry in ClinVar:

ClinVar aggregate classification (germline): Likely benign (0 of 4 stars; one submission).

Conditions:
ADCY3-related disorder. Also called: ADCY3-related condition.

gnomAD v4.1: 6 of 1,613,782 alleles (0.00037%); highest among the groups gnomAD compares: Non-Finnish European, 0.00051%; no homozygotes.

Submission:

PreventionGenetics, part of Exact Sciences
Classification: Likely benign for ADCY3-related condition. Last evaluated: 2024-07-09. Review status: no assertion criteria provided. Collection method: clinical testing. Allele origin: germline.
Comment: This variant is classified as likely benign based on ACMG/AMP sequence variant interpretation guidelines (Richards et al. 2015 PMID: 25741868, with internal and published modifications).

NM_004036.5(ADCY3):c.1365C>T (p.His455=)

Gene: ADCY3 (adenylate cyclase 3; minus strand). Cytogenetic location: 2p23.3.
Variant type: single nucleotide variant.
Coding change: c.1365C>T on transcript NM_004036.5 (MANE Select); coding-DNA position 1365, C replaced by T.
Protein change: p.His455=; no amino-acid change (histidine 455 retained).
Molecular consequence: synonymous variant.
Genome position (GRCh38, 1-based): chr2:24,838,613, G>A on the plus strand (C>T on the coding strand, the complement: ADCY3 is on the minus strand). VCF-style: chr2-24838613-G-A. GRCh37 (hg19) VCF-style: chr2-25061482-G-A.
Other names: c.1365C>T, p.His455= (NM_001320613.2, NM_001377129.1, NM_001377130.1 and 1 more transcripts); c.1431C>T, p.His477= (NM_001377128.1); c.642C>T, p.His214= (NM_001377131.1).
Identifiers: ClinVar variation 3357491 (VCV003357491.1).
Genomic context (GRCh38, chr2:24,838,613, plus strand): 5'-CCCATCGCCTGGCTCCACATCAAACTCCCCTTTCAGGCAGTCCATGGTGCTCTGGGAGAT[G>A]TGCACGCGCCTGGATTGCAGAGAGAGAGGCCCTGAGCGTCGGCCAGAGGTGGCCCTCACA-3'
Protein context (NP_004027.2, residues 445-465): MEAGGIPGRV[His455=]ISQSTMDCLK